The following is an entry in ClinVar:

NM_053013.4(ENO3):c.403G>A (p.Ala135Thr)

Gene: ENO3 (enolase 3; plus strand). Cytogenetic location: 17p13.2.
Variant type: single nucleotide variant.
Coding change: c.403G>A on transcript NM_053013.4 (MANE Select); coding-DNA position 403, G replaced by A.
Protein change: p.Ala135Thr; replaces alanine 135 with threonine.
Molecular consequence: missense variant.
Genome position (GRCh38, 1-based): chr17:4,953,804, G>A. VCF-style: chr17-4953804-G-A. GRCh37 (hg19) VCF-style: chr17-4857099-G-A.
Other names: c.274G>A, p.Ala92Thr (NM_001193503.2); c.403G>A, p.Ala135Thr (NM_001374523.1, NM_001976.5); c.430G>A, p.Ala144Thr (NM_001374524.1); short protein forms A144T, A135T, A92T.
Identifiers: ClinVar variation 1500449 (VCV001500449.6), dbSNP rs747456400, ClinGen allele CA8316288.

ClinVar aggregate classification (germline): Uncertain significance (1 of 4 stars; one submission).

Conditions:
Glycogen storage disease due to muscle beta-enolase deficiency (GSD13). Also called: ENOLASE 3 DEFICIENCY; ENOLASE-BETA DEFICIENCY; GSD XIII; Glycogen Storage Disease Type XIII. Identifiers: Orphanet 99849, MedGen C2752027, MONDO:0013046, OMIM 612932.

Allele frequency attached by ClinVar (database versions not stated): gnomAD exomes below 0.00001; TOPMed below 0.00001; ExAC 0.00001; gnomAD 0.00001.
gnomAD v4.1: 4 of 1,614,048 alleles (0.00025%); highest among the groups gnomAD compares: Admixed American, 0.0033%; no homozygotes.

Submission:

Labcorp Genetics (formerly Invitae), Labcorp
Classification: Uncertain significance for Glycogen storage disease due to muscle beta-enolase deficiency. Last evaluated: 2021-04-05. Review status: criteria provided, single submitter. Criteria: Invitae Variant Classification Sherloc (09022015). Collection method: clinical testing. Allele origin: germline.
Comment: In summary, the available evidence is currently insufficient to determine the role of this variant in disease. Therefore, it has been classified as a Variant of Uncertain Significance. Algorithms developed to predict the effect of missense changes on protein structure and function (SIFT, PolyPhen-2, Align-GVGD) all suggest that this variant is likely to be disruptive, but these predictions have not been confirmed by published functional studies and their clinical significance is uncertain. This variant has not been reported in the literature in individuals with ENO3-related conditions. This variant is present in population databases (rs747456400, ExAC 0.02%). This sequence change replaces alanine with threonine at codon 135 of the ENO3 protein (p.Ala135Thr). The alanine residue is highly conserved and there is a small physicochemical difference between alanine and threonine.